The following is an entry in ClinVar:

NM_001365276.2(TNXB):c.8823A>C (p.Glu2941Asp)

Gene: TNXB (tenascin XB; minus strand). Cytogenetic location: 6p21.33.
Variant type: single nucleotide variant.
Coding change: c.8823A>C on transcript NM_001365276.2 (MANE Select); coding-DNA position 8823, A replaced by C.
Protein change: p.Glu2941Asp; replaces glutamic acid 2941 with aspartic acid.
Molecular consequence: missense variant.
Genome position (GRCh38, 1-based): chr6:32,052,962, T>G on the plus strand (A>C on the coding strand, the complement: TNXB is on the minus strand). VCF-style: chr6-32052962-T-G. GRCh37 (hg19) VCF-style: chr6-32020739-T-G.
Other names: c.9564A>C, p.Glu3188Asp (NM_001428335.1); c.8817A>C, p.Glu2939Asp (NM_019105.8); short protein forms E2939D, E2941D, E3188D.
Identifiers: ClinVar variation 4822852 (VCV004822852.4).

ClinVar aggregate classification (germline): Uncertain significance (1 of 4 stars; one submission).

Submission:

CeGaT Center for Human Genetics Tuebingen
Classification: Uncertain significance. Last evaluated: 2026-01-01. Review status: criteria provided, single submitter. Criteria: CeGaT Center For Human Genetics Tuebingen Variant Classification Criteria Version 2. Collection method: clinical testing. Allele origin: germline. Affected: yes. Observed: 1 variant allele.
Comment: TNXB: PM2, BP4